The following is an entry in ClinVar:

NM_001961.4(EEF2):c.1865T>C (p.Val622Ala)

Gene: EEF2 (eukaryotic translation elongation factor 2; minus strand). Cytogenetic location: 19p13.3.
Variant type: single nucleotide variant.
Coding change: c.1865T>C on transcript NM_001961.4 (MANE Select); coding-DNA position 1865, T replaced by C.
Protein change: p.Val622Ala; replaces valine 622 with alanine.
Molecular consequence: missense variant.
Genome position (GRCh38, 1-based): chr19:3,978,021, A>G on the plus strand (T>C on the coding strand, the complement: EEF2 is on the minus strand). VCF-style: chr19-3978021-A-G. GRCh37 (hg19) VCF-style: chr19-3978019-A-G.
Other names: short protein forms V622A.
Identifiers: ClinVar variation 2503238 (VCV002503238.2), dbSNP rs2512199747, ClinGen allele CA403390859.

ClinVar aggregate classification (germline): Uncertain significance. Review status: criteria provided, multiple submitters, no conflicts (2 of 4 stars). 2 submissions from 2 submitters: Uncertain significance (2). Last evaluated 2024-05-08.

Submissions (2):

Women's Health and Genetics/Laboratory Corporation of America, LabCorp
Classification: Uncertain significance. Last evaluated: 2024-05-08. Review status: criteria provided, single submitter. Criteria: LabCorp Variant Classification Summary - May 2015. Collection method: clinical testing. Allele origin: germline.
Comment: Variant summary: EEF2 c.1865T>C (p.Val622Ala) results in a non-conservative amino acid change located in the Translation elongation factor EFG/EF2, domain IV (IPR005517) of the encoded protein sequence. Three of five in-silico tools predict a damaging effect of the variant on protein function. The variant was absent in 246224 control chromosomes. The available data on variant occurrences in the general population are insufficient to allow any conclusion about variant significance. To our knowledge, no occurrence of c.1865T>C in individuals affected with Spinocerebellar Ataxia Type 26 and no experimental evidence demonstrating its impact on protein function have been reported. ClinVar contains an entry for this variant (Variation ID: 2503238). Based on the evidence outlined above, the variant was classified as uncertain significance.

GeneDx
Classification: Uncertain significance. Last evaluated: 2022-11-21. Review status: criteria provided, single submitter. Criteria: GeneDx Variant Classification Process June 2021. Collection method: clinical testing. Allele origin: germline. Affected: yes.
Comment: Not observed at significant frequency in large population cohorts (gnomAD); In silico analysis supports that this missense variant has a deleterious effect on protein structure/function; Has not been previously published as pathogenic or benign to our knowledge